The following is an entry in ClinVar:

NM_001184880.2(PCDH19):c.2372G>A (p.Arg791Gln)

Genes: PCDH19 (protocadherin 19; minus strand), LOC125467768 (CDK7 strongly-dependent group 2 enhancer GRCh37_chrX:99657381-99658580; plus strand). Cytogenetic location: Xq22.1.
Variant type: single nucleotide variant.
Coding change: c.2372G>A on transcript NM_001184880.2 (MANE Select); coding-DNA position 2372, G replaced by A.
Protein change: p.Arg791Gln; replaces arginine 791 with glutamine.
Molecular consequence: missense variant.
Genome position (GRCh38, 1-based): chrX:100,402,768, C>T on the plus strand (G>A on the coding strand, the complement: PCDH19 is on the minus strand). VCF-style: chrX-100402768-C-T. GRCh37 (hg19) VCF-style: chrX-99657766-C-T.
Other names: c.2231G>A, p.Arg744Gln (NM_001105243.2, NM_020766.3); short protein forms R791Q, R744Q.
Identifiers: ClinVar variation 281920 (VCV000281920.18), dbSNP rs886042264, ClinGen allele CA10604003.

ClinVar aggregate classification (germline): Conflicting classifications of pathogenicity. Review status: criteria provided, conflicting classifications (1 of 4 stars). 3 submissions from 3 submitters: Uncertain significance (2); Likely benign (1). Last evaluated 2026-02-01.

Conditions:
Developmental and epileptic encephalopathy, 9 (DEE9). Also called: Early infantile epileptic encephalopathy 9; JUBERG-HELLMAN SYNDROME; PCDH19-Related X-Linked Female-Limited Epilepsy with Mental Retardation; EPILEPSY, FEMALE-RESTRICTED, WITH MENTAL RETARDATION. Identifiers: Orphanet 101039, Orphanet 2076, MedGen C1848137, MONDO:0010246, OMIM 300088. Disease mechanism: loss of function.

Allele frequency attached by ClinVar (database versions not stated): gnomAD 0.00002 and 0.00003; TOPMed 0.00002.
gnomAD v4.1: 25 of 1,208,974 alleles (0.0021%); highest among the groups gnomAD compares: Non-Finnish European, 0.0026%; no homozygotes.

Submissions (3):

CeGaT Center for Human Genetics Tuebingen
Classification: Likely benign. Last evaluated: 2026-02-01. Review status: criteria provided, single submitter. Criteria: CeGaT Center For Human Genetics Tuebingen Variant Classification Criteria Version 2. Collection method: clinical testing. Allele origin: germline. Affected: yes. Observed: 1 variant allele.
Comment: PCDH19: BS2

Labcorp Genetics (formerly Invitae), Labcorp
Classification: Uncertain significance for Developmental and epileptic encephalopathy, 9. Last evaluated: 2023-03-20. Review status: criteria provided, single submitter. Criteria: Invitae Variant Classification Sherloc (09022015). Collection method: clinical testing. Allele origin: germline.
Comment: ClinVar contains an entry for this variant (Variation ID: 281920). This sequence change replaces arginine, which is basic and polar, with glutamine, which is neutral and polar, at codon 791 of the PCDH19 protein (p.Arg791Gln). This variant is present in population databases (no rsID available, gnomAD 0.005%). This missense change has been observed in individual(s) with clinical features of PCDH19-related conditions (Invitae). Advanced modeling of protein sequence and biophysical properties (such as structural, functional, and spatial information, amino acid conservation, physicochemical variation, residue mobility, and thermodynamic stability) performed at Invitae indicates that this missense variant is not expected to disrupt PCDH19 protein function. In summary, the available evidence is currently insufficient to determine the role of this variant in disease. Therefore, it has been classified as a Variant of Uncertain Significance.

Eurofins Ntd Llc (ga)
Classification: Uncertain significance. Last evaluated: 2015-10-16. Review status: criteria provided, single submitter. Criteria: EGL Classification Definitions 2015. Collection method: clinical testing. Allele origin: germline. Observed: 1 variant allele, 1 heterozygote.